The following is an entry in ClinVar:

NM_024422.6(DSC2):c.21C>T (p.Ser7=)

Genes: DSC2 (desmocollin 2; minus strand), DSCAS (DSC1/DSC2 antisense RNA; plus strand). Cytogenetic location: 18q12.1.
Variant type: single nucleotide variant.
Coding change: c.21C>T on transcript NM_024422.6 (MANE Select); coding-DNA position 21, C replaced by T.
Protein change: p.Ser7=; no amino-acid change (serine 7 retained).
Molecular consequence: synonymous variant.
Genome position (GRCh38, 1-based): chr18:31,101,951, G>A on the plus strand (C>T on the coding strand, the complement: DSC2 is on the minus strand). VCF-style: chr18-31101951-G-A. GRCh37 (hg19) VCF-style: chr18-28681914-G-A.
Other names: c.21C>T, p.Ser7= (NM_004949.5).
Identifiers: ClinVar variation 3070882 (VCV003070882.2), dbSNP rs1350045782, ClinGen allele CA503391584.

ClinVar aggregate classification (germline): Likely benign. Review status: criteria provided, multiple submitters, no conflicts (2 of 4 stars). 2 submissions from 2 submitters: Likely benign (2). Last evaluated 2025-06-16.

Conditions:
Arrhythmogenic right ventricular dysplasia 11. Also called: ARRHYTHMOGENIC RIGHT VENTRICULAR DYSPLASIA, FAMILIAL, 11; Arrhythmogenic Right Ventricular Dysplasia/Cardiomyopathy11; Arrhythmogenic right ventricular dysplasia 11 with mild palmoplantar keratoderma and woolly hair. Identifiers: MedGen C1864850, MONDO:0012506, OMIM 610476.
Familial isolated arrhythmogenic right ventricular dysplasia. Identifiers: Orphanet 217656, MedGen C4274968, MONDO:0016342.

gnomAD v4.1: 3 of 1,527,502 alleles (0.0002%); highest among the groups gnomAD compares: Non-Finnish European, 0.00026%; no homozygotes.

Submissions (2):

Labcorp Genetics (formerly Invitae), Labcorp
Classification: Likely benign for Arrhythmogenic right ventricular dysplasia 11. Last evaluated: 2025-06-16. Review status: criteria provided, single submitter. Criteria: Invitae Variant Classification Sherloc (09022015). Collection method: clinical testing. Allele origin: germline.

All of Us Research Program, National Institutes of Health
Classification: Likely benign for Familial isolated arrhythmogenic right ventricular dysplasia. Last evaluated: 2023-05-04. Review status: criteria provided, single submitter. Criteria: ACMG Guidelines, 2015. Collection method: clinical testing. Allele origin: germline. Inheritance: Autosomal dominant inheritance. Observed: 1 variant allele, 1 heterozygote.
Comment: This study involves interpretation of variants in research participants for the purpose of population health screening. Participant phenotype was not available at the time of variant classification. Additional details can be found in publication PMID: 35346344, PMCID: PMC8962531